The following is an entry in ClinVar:

NM_000520.6(HEXA):c.1260G>C (p.Trp420Cys)

Gene: HEXA (hexosaminidase subunit alpha; minus strand). Cytogenetic location: 15q23.
Variant type: single nucleotide variant.
Coding change: c.1260G>C on transcript NM_000520.6 (MANE Select); coding-DNA position 1260, G replaced by C.
Protein change: p.Trp420Cys; replaces tryptophan 420 with cysteine.
Molecular consequence: missense variant.
Genome position (GRCh38, 1-based): chr15:72,346,597, C>G on the plus strand (G>C on the coding strand, the complement: HEXA is on the minus strand). VCF-style: chr15-72346597-C-G. GRCh37 (hg19) VCF-style: chr15-72638938-C-G.
Other names: c.1293G>C, p.Trp431Cys (NM_001318825.2); c.1260G>C (NM_000520.5); short protein forms W420C, W431C.
Identifiers: ClinVar variation 3901 (VCV000003901.180), dbSNP rs121907958, ClinGen allele CA252910.
Genomic context (GRCh38, chr15:72,346,597, plus strand): 5'-CAGGGGTTCCACTATGTAGAAATCCTTCCAGTCAGGGCCATAGGATATACGGTTCAGGTA[C>G]CAGGGGGCAGAGAGAAGGGCCCGGAAGCCGGCCTTGGTGACCAGTTCCAGCTCCTTCATA-3'
Protein context (NP_000511.2, residues 410-430): AGFRALLSAP[Trp420Cys]YLNRISYGPD

ClinVar aggregate classification (germline): Pathogenic/Likely pathogenic. Review status: criteria provided, multiple submitters, no conflicts (2 of 4 stars). 4 submissions from 4 submitters: Pathogenic (2); Likely pathogenic (1). 1 of the submissions does not count toward it. Last evaluated 2026-01-26.

Conditions:
Tay-Sachs disease (TSD). Also called: HEXA DEFICIENCY; Hexosaminidase A Deficiency; HEXA Disorders; GM2 gangliosidosis, type 1; Hexosaminidase alpha-subunit deficiency (variant B); Sphingolipidosis, Tay-Sachs. Identifiers: Orphanet 845, MedGen C0039373, MONDO:0010100, OMIM 272800.

Allele frequency attached by ClinVar (database versions not stated): ExAC 0.00001; gnomAD exomes 0.00001; gnomAD 0.00003; TOPMed 0.00004.
gnomAD v4.1: 40 of 1,613,938 alleles (0.0025%); highest among the groups gnomAD compares: Non-Finnish European, 0.0031%; no homozygotes.

Submissions (4):

Labcorp Genetics (formerly Invitae), Labcorp
Classification: Pathogenic for Tay-Sachs disease. Last evaluated: 2026-01-26. Review status: criteria provided, single submitter. Criteria: Invitae Variant Classification Sherloc (09022015). Collection method: clinical testing. Allele origin: germline.
Comment: This sequence change replaces tryptophan, which is neutral and slightly polar, with cysteine, which is neutral and slightly polar, at codon 420 of the HEXA protein (p.Trp420Cys). This variant is present in population databases (rs121907958, gnomAD 0.003%). This missense change has been observed in individual(s) with HEXA-related conditions (PMID: 2144098, 14566483; internal data). In at least one individual the data is consistent with being in trans (on the opposite chromosome) from a pathogenic variant. ClinVar contains an entry for this variant (Variation ID: 3901). Invitae Evidence Modeling of protein sequence and biophysical properties (such as structural, functional, and spatial information, amino acid conservation, physicochemical variation, residue mobility, and thermodynamic stability) indicates that this missense variant is expected to disrupt HEXA protein function with a positive predictive value of 95%. Experimental studies have shown that this missense change affects HEXA function (PMID: 2144098). For these reasons, this variant has been classified as Pathogenic.

Natera, Inc.
Classification: Likely pathogenic for Tay-Sachs disease. Last evaluated: 2026-01-05. Review status: criteria provided, single submitter. Criteria: Natera Variant Classification Schema (03/2026). Collection method: clinical testing. Allele origin: germline.
Comment: The c.1260G>C variant in HEXA is a missense variant predicted to cause substitution of tryptophan to cysteine at amino acid 420. This variant is rare in the general population with a frequency below the threshold expected for the associated phenotype(s). Functional studies show that this variant may disrupt protein function (PMID: 2144098). Another variant at this same site results in an alteration predicted to cause a similar molecular effect has been observed in individual(s) with the associated phenotype. Computational prediction algorithms indicate this variant is likely to affect gene or protein function. Given the available evidence, this variant is classified as Likely Pathogenic.

GeneDx
Classification: Pathogenic. Last evaluated: 2025-03-14. Review status: criteria provided, single submitter. Criteria: GeneDx Variant Classification Process June 2021. Collection method: clinical testing. Allele origin: germline. Affected: yes.
Comment: Published functional studies demonstrate the W420C variant results in a non-functional protein (PMID: 2144098, 18490185); Not observed at significant frequency in large population cohorts (gnomAD); In silico analysis supports that this missense variant has a deleterious effect on protein structure/function; This variant is associated with the following publications: (PMID: 14566483, 18490185, 2144098)

OMIM
Classification: Pathogenic for TAY-SACHS DISEASE. Last evaluated: 1990-09-01. Review status: no assertion criteria provided. Collection method: literature only. Allele origin: germline. Not counted in ClinVar's aggregate classification.

Literature cited by the submitters: PubMed 2144098 (cited by 3 submitters); PubMed 14566483 (cited by Labcorp Genetics (formerly Invitae), Labcorp).